The following is an entry in ClinVar:

ClinVar aggregate classification (germline): Pathogenic (1 of 4 stars; one submission).

Submission:

ISCA site 4
Classification: Pathogenic. Last evaluated: 2011-08-12. Review status: criteria provided, single submitter. Criteria: Kaminsky et al. (Genet Med. 2011). Collection method: clinical testing. Allele origin: unknown. Affected: yes. Observed: 1 variant allele.
Comment: Copy number variation identified through the course of routine clinical cytogenomic testing in postnatal populations. Clinical assertions have been curated as described in Kaminsky et al. 2011.

GRCh38/hg38 8q24.21-24.22(chr8:129176782-134170188)x1

Genes: MIR3686 (microRNA 3686; minus strand), MIR5194 (microRNA 5194; minus strand), MIR7848 (microRNA 7848; minus strand), NDRG1 (N-myc downstream regulated 1; minus strand), OC90 (otoconin 90; minus strand) and 129 more. Cytogenetic location: 8q24.21-24.22.
Variant type: copy number loss.
Change: copy number 1 (one copy instead of two) of chr8:129,176,782-134,170,188 (4.99 Mb, GRCh38 coordinates, 1-based), cytogenetic band 8q24.21-24.22.
Identifiers: ClinVar variation 57119 (VCV000057119.1).